The following is an entry in ClinVar:

NM_000051.4(ATM):c.6246del (p.Gly2083fs)

Genes: ATM (ATM serine/threonine kinase; plus strand), C11orf65 (chromosome 11 open reading frame 65; minus strand). Cytogenetic location: 11q22.3.
Variant type: Deletion.
Coding change: c.6246del on transcript NM_000051.4 (MANE Select); coding-DNA position 6246, one base deleted (A; older notation c.6246delA).
Protein change: p.Gly2083fs; shifts the reading frame from glycine 2083.
Molecular consequence: frameshift variant. On other transcripts: intron variant (2).
Genome position (GRCh38, 1-based): chr11:108,317,420, A deleted; the last of 4 consecutive A bases (chr11:108,317,417-108,317,420); deleting any one gives the same sequence. VCF-style (leftmost placement, unchanged base first): chr11-108317416-TA-T. GRCh37 (hg19) VCF-style: chr11-108188143-TA-T.
Other names: c.6246del, p.Gly2083fs (NM_001351834.2); c.641-8346del (NM_001330368.2); c.*39-8346del (NM_001351110.2); short protein forms G2083fs.
Identifiers: ClinVar variation 3148170 (VCV003148170.1), dbSNP rs2547114306, ClinGen allele CA2825001857.

ClinVar aggregate classification (germline): Pathogenic (1 of 4 stars; one submission).

Conditions:
Familial cancer of breast. Also called: hereditary breast carcinoma; BREAST CANCER, FAMILIAL; Hereditary breast cancer. Identifiers: Orphanet 227535, MedGen C0346153, MONDO:0016419, OMIM 114480. Disease mechanism: loss of function.

Submission:

Myriad Genetics, Inc.
Classification: Pathogenic for Familial cancer of breast. Last evaluated: 2024-01-29. Review status: criteria provided, single submitter. Criteria: Myriad Autosomal Dominant, Autosomal Recessive and X-Linked Classification Criteria (2023). Collection method: clinical testing. Allele origin: unknown.
Comment: This variant is considered pathogenic. This variant creates a frameshift predicted to result in premature protein truncation.